The following is an entry in ClinVar:

GRCh38/hg38 8p23.1(chr8:12182421-12610034)x1

Genes: DEFB130A (defensin beta 130A), FAM66A (family with sequence similarity 66 member A), FAM85A (family with sequence similarity 85 member A), FAM86B1 (family with sequence similarity 86 member B1 (gene/pseudogene); minus strand), FAM86B2 (family with sequence similarity 86 member B2; minus strand) and 4 more. Cytogenetic location: 8p23.1.
Variant type: copy number loss.
Change: copy number 1 (one copy instead of two) of chr8:12,182,421-12,610,034 (427.6 kb, GRCh38 coordinates, 1-based), cytogenetic band 8p23.1.
Identifiers: ClinVar variation 32826 (VCV000032826.3).

ClinVar aggregate classification (germline): Benign. Review status: no assertion criteria provided (0 of 4 stars). 2 submissions from 1 submitter: Benign (1). 1 of the submissions does not count toward it. Last evaluated 2013-10-22.

Submissions (2):

ISCA site 4
Classification: Benign. Last evaluated: 2013-10-22. Review status: no assertion criteria provided. Collection method: clinical testing. Allele origin: unknown. Affected: yes. Observed: 6 variant alleles. Clinical features observed: Muscular hypotonia (HP:0001252), Seizure (HP:0001250), Abnormality of the nervous system (HP:0000707), Global developmental delay (HP:0001263), Developmental delay AND/OR other significant developmental or morphological phenotypes.

ISCA site 4
Classification: Benign. Last evaluated: 2011-08-12. Review status: flagged submission. Criteria: Kaminsky et al. (Genet Med. 2011). Collection method: clinical testing. Allele origin: unknown. Affected: yes. Observed: 2 variant alleles. Not counted in ClinVar's aggregate classification.
Comment: Copy number variation identified through the course of routine clinical cytogenomic testing in postnatal populations. Clinical assertions have been curated as described in Kaminsky et al. 2011.
ClinVar note: Reason: This record appears to be redundant with a more recent record from the same submitter.
ClinVar note: Notes: SCV000077586 appears to be redundant with SCV000173016.